The following is an entry in ClinVar:

ClinVar aggregate classification (germline): Benign. Review status: criteria provided, multiple submitters, no conflicts (2 of 4 stars). 2 submissions from 2 submitters: Benign (2). Last evaluated 2013-02-21.

Allele frequency attached by ClinVar (database versions not stated): 1000 Genomes Project 30x 0.01109; 1000 Genomes Project 0.01218; TOPMed 0.01884; ESP Exome Variant Server 0.02004.
gnomAD v4.1: 44,936 of 1,552,274 alleles (2.9%); highest among the groups gnomAD compares: Non-Finnish European, 3.3%; 831 homozygotes.

Submissions (2):

Laboratory for Molecular Medicine, Mass General Brigham Personalized Medicine
Classification: Benign. Last evaluated: 2013-02-21. Review status: criteria provided, single submitter. Criteria: LMM Criteria. Collection method: clinical testing. Allele origin: germline. Observed: 8 variant alleles.
Comment: 1103-11G>C in intron 9 of MUC5B: This variant is not expected to have clinical s ignificance because it has been identified in 2.7% (225/8288) of European Americ an chromosomes from a broad population by the NHLBI Exome Sequencing Project (dbSNP rs56069229).

Breakthrough Genomics
Classification: Benign. Review status: criteria provided, single submitter. Criteria: ACMG Guidelines, 2015. Collection method: not provided. Allele origin: germline. Inheritance: Autosomal dominant inheritance. Affected: yes.

NM_002458.3(MUC5B):c.1103-11G>C

Gene: MUC5B (mucin 5B, oligomeric mucus/gel-forming; plus strand). Cytogenetic location: 11p15.5.
Variant type: single nucleotide variant.
Coding change: c.1103-11G>C on transcript NM_002458.3 (MANE Select); 11 bases into the intron before coding-DNA position 1103, G replaced by C.
Molecular consequence: intron variant.
Genome position (GRCh38, 1-based): chr11:1,229,679, G>C. VCF-style: chr11-1229679-G-C. GRCh37 (hg19) VCF-style: chr11-1250909-G-C.
Identifiers: ClinVar variation 178787 (VCV000178787.5), dbSNP rs56069229, ClinGen allele CA183039.
Genomic context (GRCh38, chr11:1,229,679, plus strand): 5'-CAAGGCCGGTGTCTTCTGACCTTGGTGTCCCCCGTGCATGGGCCGGCCCTGCCTCACGCC[G>C]CGCCCCACAGGCACGGTGCTGGATGACATCACGCACTCTGGCTGCCTGCCCCTCGGGCAG-3'